The following is an entry in ClinVar:

ClinVar aggregate classification (germline): Uncertain significance (1 of 4 stars; one submission).

gnomAD v4.1: 1 of 1,613,686 alleles (0.000062%); highest among the groups gnomAD compares: South Asian, 0.0011%; no homozygotes.

Submission:

Labcorp Genetics (formerly Invitae), Labcorp
Classification: Uncertain significance. Last evaluated: 2025-04-21. Review status: criteria provided, single submitter. Criteria: Invitae Variant Classification Sherloc (09022015). Collection method: clinical testing. Allele origin: germline.
Comment: This sequence change falls in intron 3 of the YME1L1 gene. It does not directly change the encoded amino acid sequence of the YME1L1 protein. It affects a nucleotide within the consensus splice site. This variant is present in population databases (rs563835268, gnomAD 0.003%). This variant has not been reported in the literature in individuals affected with YME1L1-related conditions. Variants that disrupt the consensus splice site are a relatively common cause of aberrant splicing (PMID: 17576681, 9536098). Algorithms developed to predict the effect of sequence changes on RNA splicing suggest that this variant is not likely to affect RNA splicing. In summary, the available evidence is currently insufficient to determine the role of this variant in disease. Therefore, it has been classified as a Variant of Uncertain Significance.

Literature cited by the submitters: PubMed 17576681; PubMed 9536098.

NM_014263.4(YME1L1):c.168+1413A>G

Gene: YME1L1 (YME1 like 1 ATPase; minus strand). Cytogenetic location: 10p12.1.
Variant type: single nucleotide variant.
Coding change: c.168+1413A>G on transcript NM_014263.4 (MANE Select); 1413 bases into the intron after coding-DNA position 168, A replaced by G.
Molecular consequence: intron variant.
Genome position (GRCh38, 1-based): chr10:27,147,493, T>C on the plus strand (A>G on the coding strand, the complement: YME1L1 is on the minus strand). VCF-style: chr10-27147493-T-C. GRCh37 (hg19) VCF-style: chr10-27436422-T-C.
Other names: c.168+1413A>G (NM_001253866.2); c.339+5A>G (NM_139312.3).
Identifiers: ClinVar variation 4777872 (VCV004777872.1).